The following is an entry in ClinVar:

ClinVar aggregate classification (germline): Benign/Likely benign. Review status: criteria provided, multiple submitters, no conflicts (2 of 4 stars). 4 submissions from 4 submitters: Benign (1); Likely benign (2). 1 of the submissions does not count toward it. Last evaluated 2025-11-19.

Conditions:
PKHD1-related disorder. Also called: PKHD1-related condition.
Autosomal recessive polycystic kidney disease (ARPKD). Also called: AR polycystic kidney disease. Identifiers: Orphanet 731, Orphanet 8378, MedGen C0085548, MeSH D017044, MONDO:0009889.

Allele frequency attached by ClinVar (database versions not stated): gnomAD below 0.00001 and 0.00005; gnomAD exomes 0.00022; ExAC 0.00023.
gnomAD v4.1: 154 of 1,613,778 alleles (0.0095%); highest among the groups gnomAD compares: South Asian, 0.16%; 4 homozygotes.

Submissions (4):

Labcorp Genetics (formerly Invitae), Labcorp
Classification: Benign for Autosomal recessive polycystic kidney disease. Last evaluated: 2025-11-19. Review status: criteria provided, single submitter. Criteria: Invitae Variant Classification Sherloc (09022015). Collection method: clinical testing. Allele origin: germline.

PreventionGenetics, part of Exact Sciences
Classification: Likely benign for PKHD1-related condition. Last evaluated: 2024-12-04. Review status: criteria provided, single submitter. Criteria: ACMG Guidelines, 2015. Collection method: clinical testing. Allele origin: germline.
Comment: This variant is classified as likely benign based on ACMG/AMP sequence variant interpretation guidelines (Richards et al. 2015 PMID: 25741868, with internal and published modifications).

Blueprint Genetics
Classification: Likely benign. Last evaluated: 2024-05-06. Review status: criteria provided, single submitter. Criteria: ACMG Guidelines, 2015. Collection method: clinical testing. Allele origin: germline.

Natera, Inc.
Classification: Likely benign for Autosomal recessive polycystic kidney disease. Last evaluated: 2019-02-02. Review status: no assertion criteria provided. Collection method: clinical testing. Allele origin: germline. Not counted in ClinVar's aggregate classification.

NM_138694.4(PKHD1):c.10737A>G (p.Val3579=)

Gene: PKHD1 (PKHD1 ciliary IPT domain containing fibrocystin/polyductin; minus strand). Cytogenetic location: 6p12.3.
Variant type: single nucleotide variant.
Coding change: c.10737A>G on transcript NM_138694.4 (MANE Select); coding-DNA position 10737, A replaced by G.
Protein change: p.Val3579=; no amino-acid change (valine 3579 retained).
Molecular consequence: synonymous variant.
Genome position (GRCh38, 1-based): chr6:51,659,389, T>C on the plus strand (A>G on the coding strand, the complement: PKHD1 is on the minus strand). VCF-style: chr6-51659389-T-C. GRCh37 (hg19) VCF-style: chr6-51524187-T-C.
Identifiers: ClinVar variation 757257 (VCV000757257.17), dbSNP rs555442845, ClinGen allele CA3851028.